The following is an entry in ClinVar:

ClinVar aggregate classification (germline): Pathogenic (1 of 4 stars; one submission).

Conditions:
Hereditary retinoblastoma. Identifiers: Orphanet 357027, MedGen C0751483, MONDO:0018160.

Submission:

Ramesar Group, Division of Human Genetics, Institute of Infectious Diseases and Molecular Medicine, UCT/MRC Genomic and Precision Medicine Research Unit, University of Cape Town
Classification: Pathogenic for Hereditary retinoblastoma. Last evaluated: 2025-09-17. Review status: criteria provided, single submitter. Criteria: ACMG Guidelines, 2015. Collection method: research. Allele origin: germline. Affected: yes. Observed: 2 variant alleles.

NM_000321.3(RB1):c.94del (p.Asp32fs)

Gene: RB1 (RB transcriptional corepressor 1; plus strand). Cytogenetic location: 13q14.2.
Variant type: Deletion.
Coding change: c.94del on transcript NM_000321.3 (MANE Select); coding-DNA position 94, one base deleted (G; older notation c.94delG).
Protein change: p.Asp32fs; shifts the reading frame from aspartic acid 32.
Molecular consequence: frameshift variant.
Genome position (GRCh38, 1-based): chr13:48,304,006, G deleted; the last of 2 consecutive G bases (chr13:48,304,005-48,304,006); deleting either gives the same sequence. VCF-style (leftmost placement, unchanged base first): chr13-48304004-AG-A. GRCh37 (hg19) VCF-style: chr13-48878140-AG-A.
Other names: c.94del, p.Asp32fs (NM_001407165.1, NM_001407166.1, NM_001407167.1); short protein forms D32fs.
Identifiers: ClinVar variation 4759389 (VCV004759389.1).